The following is an entry in ClinVar:

NM_000784.4(CYP27A1):c.540G>A (p.Glu180=)

Gene: CYP27A1 (cytochrome P450 family 27 subfamily A member 1; plus strand). Cytogenetic location: 2q35.
Variant type: single nucleotide variant.
Coding change: c.540G>A on transcript NM_000784.4 (MANE Select); coding-DNA position 540, G replaced by A.
Protein change: p.Glu180=; no amino-acid change (glutamic acid 180 retained).
Molecular consequence: synonymous variant.
Genome position (GRCh38, 1-based): chr2:218,812,315, G>A. VCF-style: chr2-218812315-G-A. GRCh37 (hg19) VCF-style: chr2-219677038-G-A.
Other names: c.540G>A (NM_000784.3).
Identifiers: ClinVar variation 1162070 (VCV001162070.17), dbSNP rs1238433654, ClinGen allele CA431414065.

ClinVar aggregate classification (germline): Likely benign. Review status: criteria provided, multiple submitters, no conflicts (2 of 4 stars). 3 submissions from 3 submitters: Likely benign (3). Last evaluated 2026-03-12.

Conditions:
Cardiovascular phenotype. Identifiers: MedGen CN230736.
Cholestanol storage disease (CTX). Also called: Cerebrotendinous Xanthomatosis; CEREBRAL CHOLESTERINOSIS; CTX: Cerebrotendinous xanthomatosis. Identifiers: Orphanet 909, MedGen C0238052, MONDO:0008948, OMIM 213700.

Allele frequency attached by ClinVar (database versions not stated): gnomAD exomes below 0.00001; TOPMed below 0.00001.
gnomAD v4.1: 7 of 1,614,240 alleles (0.00043%); highest among the groups gnomAD compares: Non-Finnish European, 0.00059%; no homozygotes.

Submissions (3):

Ambry Genetics
Classification: Likely benign for Cardiovascular phenotype. Last evaluated: 2026-03-12. Review status: criteria provided, single submitter. Criteria: Ambry Variant Classification Scheme 2023. Collection method: clinical testing. Allele origin: germline.

Labcorp Genetics (formerly Invitae), Labcorp
Classification: Likely benign for Cholestanol storage disease. Last evaluated: 2026-01-31. Review status: criteria provided, single submitter. Criteria: Invitae Variant Classification Sherloc (09022015). Collection method: clinical testing. Allele origin: germline.

CeGaT Center for Human Genetics Tuebingen
Classification: Likely benign. Last evaluated: 2025-06-01. Review status: criteria provided, single submitter. Criteria: CeGaT Center For Human Genetics Tuebingen Variant Classification Criteria Version 2. Collection method: clinical testing. Allele origin: germline. Affected: yes. Observed: 1 variant allele.
Comment: CYP27A1: BP4, BP7